The following is an entry in ClinVar:

ClinVar aggregate classification (germline): Likely benign. Review status: criteria provided, multiple submitters, no conflicts (2 of 4 stars). 2 submissions from 2 submitters: Likely benign (2). Last evaluated 2021-11-11.

Conditions:
Hereditary spastic paraplegia 6 (SPG6). Also called: SPASTIC PARAPLEGIA 6, AUTOSOMAL DOMINANT. Identifiers: Orphanet 100988, MedGen C1838192, MONDO:0010878, OMIM 600363.

Allele frequency attached by ClinVar (database versions not stated): gnomAD 0.00001 and 0.00003; TOPMed 0.00002; ExAC 0.00004; gnomAD exomes 0.00004; ESP Exome Variant Server 0.00008.
gnomAD v4.1: 64 of 1,614,108 alleles (0.004%); highest among the groups gnomAD compares: East Asian, 0.082%; no homozygotes.

Submissions (2):

Labcorp Genetics (formerly Invitae), Labcorp
Classification: Likely benign for Hereditary spastic paraplegia 6. Last evaluated: 2021-11-11. Review status: criteria provided, single submitter. Criteria: Invitae Variant Classification Sherloc (09022015). Collection method: clinical testing. Allele origin: germline.

Illumina Laboratory Services, Illumina
Classification: Likely benign for Hereditary spastic paraplegia 6. Last evaluated: 2018-01-13. Review status: criteria provided, single submitter. Criteria: ICSL Variant Classification Criteria 13 December 2019. Collection method: clinical testing. Allele origin: germline.
Comment: This variant was observed in the ICSL laboratory as part of a predisposition screen in an ostensibly healthy population. It had not been previously curated by ICSL or reported in the Human Gene Mutation Database (HGMD: prior to June 1st, 2018), and was therefore a candidate for classification through an automated scoring system. Utilizing variant allele frequency, disease prevalence and penetrance estimates, and inheritance mode, an automated score was calculated to assess if this variant is too frequent to cause the disease. Based on the score and internal cut-off values, a variant classified as likely benign is not then subjected to further curation. The score for this variant resulted in a classification of likely benign for this disease.

NM_144599.5(NIPA1):c.810G>A (p.Thr270=)

Gene: NIPA1 (NIPA magnesium transporter 1; plus strand). Cytogenetic location: 15q11.2.
Variant type: single nucleotide variant.
Coding change: c.810G>A on transcript NM_144599.5 (MANE Select); coding-DNA position 810, G replaced by A.
Protein change: p.Thr270=; no amino-acid change (threonine 270 retained).
Molecular consequence: synonymous variant.
Genome position (GRCh38, 1-based): chr15:22,824,059, G>A. VCF-style: chr15-22824059-G-A. GRCh37 (hg19) VCF-style: chr15-23049009-C-T.
Other names: c.585G>A, p.Thr195= (NM_001142275.1).
Identifiers: ClinVar variation 315421 (VCV000315421.12), dbSNP rs138394129, ClinGen allele CA7425991.